The following is an entry in ClinVar:

ClinVar aggregate classification (germline): Likely benign (1 of 4 stars; one submission).

Allele frequency attached by ClinVar (database versions not stated): gnomAD exomes below 0.00001.

Submission:

Laboratory for Molecular Medicine, Mass General Brigham Personalized Medicine
Classification: Likely benign. Last evaluated: 2021-10-01. Review status: criteria provided, single submitter. Criteria: ACMG Guidelines, 2015. Collection method: clinical testing. Allele origin: germline.
Comment: The p.Leu264Leu variant in SERPINA1 is classified as likely benign because it does not alter an amino acid residue, it is not located within the splice consensus sequence, and splice prediction algorithms do not predict a newly created splice site. ACMG/AMP Criteria applied: BP4, BP7.

NM_000295.5(SERPINA1):c.792G>A (p.Leu264=)

Gene: SERPINA1 (serpin family A member 1; minus strand). Cytogenetic location: 14q32.13.
Variant type: single nucleotide variant.
Coding change: c.792G>A on transcript NM_000295.5 (MANE Select); coding-DNA position 792, G replaced by A.
Protein change: p.Leu264=; no amino-acid change (leucine 264 retained).
Molecular consequence: synonymous variant.
Genome position (GRCh38, 1-based): chr14:94,380,996, C>T on the plus strand (G>A on the coding strand, the complement: SERPINA1 is on the minus strand). VCF-style: chr14-94380996-C-T. GRCh37 (hg19) VCF-style: chr14-94847333-C-T.
Other names: c.792G>A, p.Leu264= (NM_001002235.3, NM_001002236.3, NM_001127700.2 and 7 more transcripts).
Identifiers: ClinVar variation 929975 (VCV000929975.5), dbSNP rs1429761476, ClinGen allele CA487841017.